The following is an entry in ClinVar:

ClinVar aggregate classification (germline): Conflicting classifications of pathogenicity. Review status: criteria provided, conflicting classifications (1 of 4 stars). 3 submissions from 3 submitters: Uncertain significance (2); Benign (1). Last evaluated 2025-12-08.

Conditions:
Bethlem myopathy 1A. Also called: Bethlem myopathy 1; MYOPATHY, BENIGN CONGENITAL, WITH CONTRACTURES; Bethlem Muscular Dystrophy. Identifiers: Orphanet 610, MedGen CN029274, MONDO:0024530, OMIM 158810.
Inborn genetic diseases. Identifiers: MedGen C0950123, MeSH D030342.

Allele frequency attached by ClinVar (database versions not stated): gnomAD exomes below 0.00001 and 0.00002; ExAC 0.00003; gnomAD 0.00003 and 0.00004; TOPMed 0.00004; 1000 Genomes Project 0.00040; 1000 Genomes Project 30x 0.00062.
gnomAD v4.1: 10 of 1,614,252 alleles (0.00062%); highest among the groups gnomAD compares: African/African-American, 0.0093%; no homozygotes.

Submissions (3):

Ambry Genetics
Classification: Uncertain significance for Inborn genetic diseases. Last evaluated: 2025-12-08. Review status: criteria provided, single submitter. Criteria: Ambry Variant Classification Scheme 2023. Collection method: clinical testing. Allele origin: germline.

Labcorp Genetics (formerly Invitae), Labcorp
Classification: Benign for Bethlem myopathy 1A. Last evaluated: 2022-12-06. Review status: criteria provided, single submitter. Criteria: Invitae Variant Classification Sherloc (09022015). Collection method: clinical testing. Allele origin: germline.

GeneDx
Classification: Uncertain significance. Last evaluated: 2019-06-10. Review status: criteria provided, single submitter. Criteria: GeneDx Variant Classification Process June 2021. Collection method: clinical testing. Allele origin: germline. Affected: yes.
Comment: In silico analysis, which includes protein predictors and evolutionary conservation, supports a deleterious effect; Has not been previously published as pathogenic or benign to our knowledge

NM_004369.4(COL6A3):c.2269G>A (p.Asp757Asn)

Gene: COL6A3 (collagen type VI alpha 3 chain; minus strand). Cytogenetic location: 2q37.3.
Variant type: single nucleotide variant.
Coding change: c.2269G>A on transcript NM_004369.4 (MANE Select); coding-DNA position 2269, G replaced by A.
Protein change: p.Asp757Asn; replaces aspartic acid 757 with asparagine.
Molecular consequence: missense variant. On other transcripts: intron variant (1).
Genome position (GRCh38, 1-based): chr2:237,378,864, C>T on the plus strand (G>A on the coding strand, the complement: COL6A3 is on the minus strand). VCF-style: chr2-237378864-C-T. GRCh37 (hg19) VCF-style: chr2-238287507-C-T.
Other names: c.1048G>A, p.Asp350Asn (NM_057164.5); c.1651G>A, p.Asp551Asn (NM_057165.5, NM_057167.4); c.677-1520G>A (NM_057166.5); short protein forms D350N, D551N, D757N.
Identifiers: ClinVar variation 1306047 (VCV001306047.10), dbSNP rs544229002, ClinGen allele CA2189439.